The following is an entry in ClinVar:

NM_000059.4(BRCA2):c.1140T>G (p.Ser380Arg)

Gene: BRCA2 (BRCA2 DNA repair associated; plus strand). Cytogenetic location: 13q13.1.
Variant type: single nucleotide variant.
Coding change: c.1140T>G on transcript NM_000059.4 (MANE Select); coding-DNA position 1140, T replaced by G.
Protein change: p.Ser380Arg; replaces serine 380 with arginine.
Molecular consequence: missense variant.
Genome position (GRCh38, 1-based): chr13:32,332,618, T>G. VCF-style: chr13-32332618-T-G. GRCh37 (hg19) VCF-style: chr13-32906755-T-G.
Other names: short protein forms S380R.
Identifiers: ClinVar variation 1330027 (VCV001330027.6), dbSNP rs2137468017, ClinGen allele CA387761799.
Genomic context (GRCh38, chr13:32,332,618, plus strand): 5'-AAATGATACTGATCCATTAGATTCAAATGTAGCAAATCAGAAGCCCTTTGAGAGTGGAAG[T>G]GACAAAATCTCCAAGGAAGTTGTACCGTCTTTGGCCTGTGAATGGTCTCAACTAACCCTT-3'
Protein context (NP_000050.3, residues 370-390): VANQKPFESG[Ser380Arg]DKISKEVVPS

ClinVar aggregate classification (germline): Conflicting classifications of pathogenicity. Review status: criteria provided, conflicting classifications (1 of 4 stars). 3 submissions from 3 submitters: Uncertain significance (2); Likely benign (1). Last evaluated 2023-03-23.

Conditions:
Hereditary cancer-predisposing syndrome. Also called: Hereditary Cancer Syndrome; Tumor predisposition; Neoplastic Syndromes, Hereditary; Hereditary neoplastic syndrome. Identifiers: Orphanet 140162, MedGen C0027672, MeSH D009386, MONDO:0015356.
Hereditary breast ovarian cancer syndrome. Also called: Hereditary breast and ovarian cancer syndrome; Hereditary breast and ovarian cancer; Hereditary breast and ovarian cancer syndrome (HBOC); BRCA1- and BRCA2-Associated Hereditary Breast and Ovarian Cancer; Hereditary breast and/or ovarian cancer syndrome; Breast and ovarian cancer. Identifiers: Orphanet 145, MedGen C0677776, MeSH D061325, MONDO:0003582. Disease mechanism: loss of function.

Submissions (3):

University of Washington Department of Laboratory Medicine, University of Washington
Classification: Likely benign for Hereditary cancer-predisposing syndrome. Last evaluated: 2023-03-23. Review status: criteria provided, single submitter. Criteria: Dines et al. (Genet Med. 2020). Collection method: curation. Allele origin: germline.
Comment: Missense variant in a coldspot region where missense variants are very unlikely to be pathogenic (PMID:31911673).

BRCA2 exon 10 coldspot. Reclassification based on statistical prior probability.

Labcorp Genetics (formerly Invitae), Labcorp
Classification: Uncertain significance for Hereditary breast ovarian cancer syndrome. Last evaluated: 2023-01-06. Review status: criteria provided, single submitter. Criteria: Invitae Variant Classification Sherloc (09022015). Collection method: clinical testing. Allele origin: germline.
Comment: This sequence change replaces serine, which is neutral and polar, with arginine, which is basic and polar, at codon 380 of the BRCA2 protein (p.Ser380Arg). This variant is not present in population databases (gnomAD no frequency). This variant has not been reported in the literature in individuals affected with BRCA2-related conditions. ClinVar contains an entry for this variant (Variation ID: 1330027). Advanced modeling of protein sequence and biophysical properties (such as structural, functional, and spatial information, amino acid conservation, physicochemical variation, residue mobility, and thermodynamic stability) performed at Invitae indicates that this missense variant is not expected to disrupt BRCA2 protein function. In summary, the available evidence is currently insufficient to determine the role of this variant in disease. Therefore, it has been classified as a Variant of Uncertain Significance.

Quest Diagnostics Nichols Institute San Juan Capistrano
Classification: Uncertain significance. Last evaluated: 2020-11-13. Review status: criteria provided, single submitter. Criteria: Quest Diagnostics criteria. Collection method: clinical testing. Allele origin: unknown.